The following is an entry in ClinVar:

ClinVar aggregate classification (germline): Uncertain significance. Review status: criteria provided, multiple submitters, no conflicts (2 of 4 stars). 4 submissions from 4 submitters: Uncertain significance (4). Last evaluated 2026-08-06.

Conditions:
Familial hemophagocytic lymphohistiocytosis 3 (FHL3). Also called: UNC13D-Related Familial Hemophagocytic Lymphohistiocytosis (UNC13D-fHLH). Identifiers: Orphanet 540, MedGen C1837174, MONDO:0012146, OMIM 608898.

Allele frequency attached by ClinVar (database versions not stated): TOPMed 0.00001; gnomAD 0.00006; 1000 Genomes Project 30x 0.00016; 1000 Genomes Project 0.00020.
gnomAD v4.1: 101 of 1,612,520 alleles (0.0063%); highest among the groups gnomAD compares: Middle Eastern, 0.18%; 1 homozygote.

Submissions (4):

OLLIN Analises Genomicas, OLLIN
Classification: Uncertain significance for Familial hemophagocytic lymphohistiocytosis 3. Last evaluated: 2026-08-06. Review status: criteria provided, single submitter. Criteria: ACMG Guidelines 2015 PMID 25741868. Collection method: clinical testing. Allele origin: germline.
Comment: This missense variant, located in exon 1 (of 32), has been reported in ClinVar (accession VCV001464711.3) and in gnomAD with an allele frequency of 0.0063%. However, to our knowledge, it has not been reported in the scientific literature. In silico analysis is inconclusive regarding the impact of this variant. According to the currently available evidence, this variant has been classified as uncertain significance (PM2_P).

Labcorp Genetics (formerly Invitae), Labcorp
Classification: Uncertain significance for Familial hemophagocytic lymphohistiocytosis 3. Last evaluated: 2024-10-15. Review status: criteria provided, single submitter. Criteria: Invitae Variant Classification Sherloc (09022015). Collection method: clinical testing. Allele origin: germline.
Comment: This sequence change replaces arginine, which is basic and polar, with proline, which is neutral and non-polar, at codon 11 of the UNC13D protein (p.Arg11Pro). This variant is present in population databases (rs574927621, gnomAD 0.02%), including at least one homozygous and/or hemizygous individual. This missense change has been observed in individual(s) with hemophagocytic lymphohistiocytosis (PMID: 25901543). ClinVar contains an entry for this variant (Variation ID: 533101). An algorithm developed to predict the effect of missense changes on protein structure and function (PolyPhen-2) suggests that this variant is likely to be disruptive. In summary, the available evidence is currently insufficient to determine the role of this variant in disease. Therefore, it has been classified as a Variant of Uncertain Significance.

Blueprint Genetics
Classification: Uncertain significance. Last evaluated: 2024-07-19. Review status: criteria provided, single submitter. Criteria: ACMG Guidelines, 2015. Collection method: clinical testing. Allele origin: germline.

Women's Health and Genetics/Laboratory Corporation of America, LabCorp
Classification: Uncertain significance. Last evaluated: 2022-05-20. Review status: criteria provided, single submitter. Criteria: LabCorp Variant Classification Summary - May 2015. Collection method: clinical testing. Allele origin: germline.
Comment: Variant summary: UNC13D c.32G>C (p.Arg11Pro) results in a non-conservative amino acid change in the encoded protein sequence. Four of five in-silico tools predict a damaging effect of the variant on protein function. The variant allele was found at a frequency of 8.5e-05 in 247750 control chromosomes (gnomAD). This frequency is not significantly higher than expected for a pathogenic variant in UNC13D causing Familial Hemophagocytic Lymphohistiocytosis (8.5e-05 vs 0.0027), allowing no conclusion about variant significance. c.32G>C has been reported in the literature in at least one individual affected with Hemophagocytic Lymphohistiocytosis, however this individual was also hemizygous for a variant in SH2D1A (c.288_289del, p.Pro97Serfs*6) which is associated with X-linked lymphoproliferative syndrome (Kaya_2015). To our knowledge, no experimental evidence demonstrating an impact on protein function has been reported. One ClinVar submitter has assessed the variant since 2014: the variant was classified as of uncertain significance. Based on the evidence outlined above, the variant was classified as uncertain significance.

Literature cited by the submitters: PubMed 25901543 (cited by Labcorp Genetics (formerly Invitae), Labcorp and Women's Health and Genetics/Laboratory Corporation of America, LabCorp).

NM_199242.3(UNC13D):c.32G>C (p.Arg11Pro)

Gene: UNC13D (unc-13 homolog D; minus strand). Cytogenetic location: 17q25.1.
Variant type: single nucleotide variant.
Coding change: c.32G>C on transcript NM_199242.3 (MANE Select); coding-DNA position 32, G replaced by C.
Protein change: p.Arg11Pro; replaces arginine 11 with proline.
Molecular consequence: missense variant.
Genome position (GRCh38, 1-based): chr17:75,844,306, C>G on the plus strand (G>C on the coding strand, the complement: UNC13D is on the minus strand). VCF-style: chr17-75844306-C-G. GRCh37 (hg19) VCF-style: chr17-73840387-C-G.
Other names: short protein forms R11P.
Identifiers: ClinVar variation 533101 (VCV000533101.10), dbSNP rs574927621, ClinGen allele CA8773695.